The following is an entry in ClinVar:

NM_000368.5(TSC1):c.1238A>C (p.Gln413Pro)

Gene: TSC1 (TSC complex subunit 1; minus strand). Cytogenetic location: 9q34.13.
Variant type: single nucleotide variant.
Coding change: c.1238A>C on transcript NM_000368.5 (MANE Select); coding-DNA position 1238, A replaced by C.
Protein change: p.Gln413Pro; replaces glutamine 413 with proline.
Molecular consequence: missense variant.
Genome position (GRCh38, 1-based): chr9:132,910,596, T>G on the plus strand (A>C on the coding strand, the complement: TSC1 is on the minus strand). VCF-style: chr9-132910596-T-G. GRCh37 (hg19) VCF-style: chr9-135785983-T-G.
Other names: c.1238A>C, p.Gln413Pro (NM_001406602.1, NM_001406605.1, NM_001406606.1 and 7 more transcripts); c.1235A>C, p.Gln412Pro (NM_001406603.1, NM_001406604.1, NM_001406608.1 and 6 more transcripts); c.875A>C, p.Gln292Pro (NM_001406619.1, NM_001406624.1, NM_001362177.2 and 5 more transcripts); c.872A>C, p.Gln291Pro (NM_001406620.1, NM_001406621.1, NM_001406622.1 and 2 more transcripts); c.287A>C, p.Gln96Pro (NM_001406626.1); c.284A>C, p.Gln95Pro (NM_001406627.1, NM_001406628.1); c.185A>C, p.Gln62Pro (NM_001406629.1, NM_001406630.1); c.1085A>C, p.Gln362Pro (NM_001162427.2, NM_001406610.1); and 1 more; short protein forms Q291P, Q362P, Q412P, Q96P, Q292P, Q62P, Q95P, Q361P.
Identifiers: ClinVar variation 2117720 (VCV002117720.5), dbSNP rs1060503218, ClinGen allele CA375366814.
Genomic context (GRCh38, chr9:132,910,596, plus strand): 5'-CTGGGCAGAGGGATAGCAGACGAGCTGGATCGCACCTTCCTGGGGGGTGTGACTGTGGCC[T>G]GGGGGAGTGAAATGTGCACGTAGTCATCCGAATGACAGAGTGGGGCTGGAGGAGGAGAGG-3'
Protein context (NP_000359.1, residues 403-423): SDDYVHISLP[Gln413Pro]ATVTPPRKEE

ClinVar aggregate classification (germline): Uncertain significance. Review status: criteria provided, multiple submitters, no conflicts (2 of 4 stars). 2 submissions from 2 submitters: Uncertain significance (2). Last evaluated 2025-04-06.

Conditions:
Tuberous sclerosis 1 (TSC1). Identifiers: Orphanet 805, MedGen C1854465, MONDO:0008612, OMIM 191100.
Hereditary cancer-predisposing syndrome. Also called: Tumor predisposition; Hereditary Cancer Syndrome; Neoplastic Syndromes, Hereditary; Hereditary neoplastic syndrome. Identifiers: Orphanet 140162, MedGen C0027672, MeSH D009386, MONDO:0015356.

Submissions (2):

Ambry Genetics
Classification: Uncertain significance for Hereditary cancer-predisposing syndrome. Last evaluated: 2025-04-06. Review status: criteria provided, single submitter. Criteria: Ambry Variant Classification Scheme 2023. Collection method: clinical testing. Allele origin: germline.
Comment: The p.Q413P variant (also known as c.1238A>C), located in coding exon 10 of the TSC1 gene, results from an A to C substitution at nucleotide position 1238. The glutamine at codon 413 is replaced by proline, an amino acid with similar properties. This amino acid position is conserved. In addition, this alteration is predicted to be tolerated by in silico analysis. Based on the available evidence, the clinical significance of this variant remains unclear.

Labcorp Genetics (formerly Invitae), Labcorp
Classification: Uncertain significance for Tuberous sclerosis 1. Last evaluated: 2022-03-26. Review status: criteria provided, single submitter. Criteria: Invitae Variant Classification Sherloc (09022015). Collection method: clinical testing. Allele origin: germline.
Comment: In summary, the available evidence is currently insufficient to determine the role of this variant in disease. Therefore, it has been classified as a Variant of Uncertain Significance. Algorithms developed to predict the effect of missense changes on protein structure and function output the following: SIFT: "Tolerated"; PolyPhen-2: "Benign"; Align-GVGD: "Class C0". The proline amino acid residue is found in multiple mammalian species, which suggests that this missense change does not adversely affect protein function. This variant has not been reported in the literature in individuals affected with TSC1-related conditions. This variant is not present in population databases (gnomAD no frequency). This sequence change replaces glutamine, which is neutral and polar, with proline, which is neutral and non-polar, at codon 413 of the TSC1 protein (p.Gln413Pro).